The following is an entry in ClinVar:

ClinVar aggregate classification (germline): Benign/Likely benign. Review status: criteria provided, multiple submitters, no conflicts (2 of 4 stars). 3 submissions from 3 submitters: Benign (1); Likely benign (1). 1 of the submissions does not count toward it. Last evaluated 2025-11-02.

Conditions:
MAMLD1-related disorder. Also called: MAMLD1-related condition.

Submissions (3):

Labcorp Genetics (formerly Invitae), Labcorp
Classification: Benign. Last evaluated: 2025-11-02. Review status: criteria provided, single submitter. Criteria: Invitae Variant Classification Sherloc (09022015). Collection method: clinical testing. Allele origin: germline.

Blueprint Genetics
Classification: Likely benign. Last evaluated: 2024-11-21. Review status: criteria provided, single submitter. Criteria: ACMG Guidelines, 2015. Collection method: clinical testing. Allele origin: germline.

PreventionGenetics, part of Exact Sciences
Classification: Likely benign for MAMLD1-related condition. Last evaluated: 2021-01-20. Review status: no assertion criteria provided. Collection method: clinical testing. Allele origin: germline. Not counted in ClinVar's aggregate classification.
Comment: This variant is classified as likely benign based on ACMG/AMP sequence variant interpretation guidelines (Richards et al. 2015 PMID: 25741868, with internal and published modifications).

NM_005491.5(MAMLD1):c.1482GCA[9] (p.Gln502dup)

Gene: MAMLD1 (mastermind like domain containing 1; plus strand). Cytogenetic location: Xq28.
Variant type: Microsatellite.
Coding change: c.1482GCA[9] on transcript NM_005491.5 (MANE Select); nine copies in a row of the 3-base unit GCA starting at c.1482; the reference has eight copies in a row; one copy, 3 bases duplicated.
Protein change: p.Gln502dup; duplicates glutamine 502.
Molecular consequence: inframe insertion.
Genome position (GRCh38, 1-based): chrX:150,471,076-150,471,078, GCA duplicated; duplicating any 3 consecutive bases within chrX:150,471,053-150,471,078 gives the same sequence; the position shown is the placement nearest the transcript's 3' end. VCF-style (leftmost placement, unchanged base first): chrX-150471052-A-ACAG. GRCh37 (hg19) VCF-style: chrX-149639324-A-ACAG.
Other names: c.1407GCA[9], p.Gln477dup (NM_001177465.3, NM_001177466.3, NM_001400514.1); c.1482GCA[9], p.Gln502dup (NM_001400512.1, NM_001400513.1, NM_001400515.1); c.1503_1505dupGCA (NM_005491.4).
Identifiers: ClinVar variation 1674223 (VCV001674223.12), dbSNP rs781802555, ClinGen allele CA10538805.
Genomic context (GRCh38, chrX:150,471,052, plus strand): 5'-CACCCCACAGTGTTCCCTGATCCGAAGCCTCACTCCCACCAGTAATCTTCTAAGCCAGCA[A>ACAG]CAGCAGCAGCAGCAGCAGCAGCAGCAAGCAAATGTGATCTTTAAGCCCATAAGCAGCAAC-3'